The following is an entry in ClinVar:

NM_001080414.4(CCDC88C):c.5983G>T (p.Ala1995Ser)

Gene: CCDC88C (coiled-coil domain containing 88C; minus strand). Cytogenetic location: 14q32.11.
Variant type: single nucleotide variant.
Coding change: c.5983G>T on transcript NM_001080414.4 (MANE Select); coding-DNA position 5983, G replaced by T.
Protein change: p.Ala1995Ser; replaces alanine 1995 with serine.
Molecular consequence: missense variant.
Genome position (GRCh38, 1-based): chr14:91,272,729, C>A on the plus strand (G>T on the coding strand, the complement: CCDC88C is on the minus strand). VCF-style: chr14-91272729-C-A. GRCh37 (hg19) VCF-style: chr14-91739073-C-A.
Other names: short protein forms A1995S.
Identifiers: ClinVar variation 3139592 (VCV003139592.2), dbSNP rs757285370, ClinGen allele CA7308539.

ClinVar aggregate classification (germline): Uncertain significance. Review status: criteria provided, multiple submitters, no conflicts (2 of 4 stars). 2 submissions from 2 submitters: Uncertain significance (2). Last evaluated 2024-02-05.

Conditions:
Inborn genetic diseases. Identifiers: MedGen C0950123, MeSH D030342.

Allele frequency attached by ClinVar (database versions not stated): gnomAD 0.00001; TOPMed 0.00002; ExAC 0.00003.
gnomAD v4.1: 56 of 1,610,260 alleles (0.0035%); highest among the groups gnomAD compares: Non-Finnish European, 0.0043%; no homozygotes.

Submissions (2):

Ambry Genetics
Classification: Uncertain significance for Inborn genetic diseases. Last evaluated: 2024-02-05. Review status: criteria provided, single submitter. Criteria: Ambry Variant Classification Scheme 2023. Collection method: clinical testing. Allele origin: germline.

GeneDx
Classification: Uncertain significance. Last evaluated: 2023-05-17. Review status: criteria provided, single submitter. Criteria: GeneDx Variant Classification Process June 2021. Collection method: clinical testing. Allele origin: germline. Affected: yes.
Comment: In silico analysis supports that this missense variant does not alter protein structure/function; Has not been previously published as pathogenic or benign to our knowledge